The following is an entry in ClinVar:

NM_000179.3(MSH6):c.2520C>G (p.Ser840Arg)

Gene: MSH6 (mutS homolog 6; plus strand). Cytogenetic location: 2p16.3.
Variant type: single nucleotide variant.
Coding change: c.2520C>G on transcript NM_000179.3 (MANE Select); coding-DNA position 2520, C replaced by G.
Protein change: p.Ser840Arg; replaces serine 840 with arginine.
Molecular consequence: missense variant.
Genome position (GRCh38, 1-based): chr2:47,800,503, C>G. VCF-style: chr2-47800503-C-G. GRCh37 (hg19) VCF-style: chr2-48027642-C-G.
Other names: c.1614C>G, p.Ser538Arg (NM_001281493.2, NM_001281494.2); c.2130C>G, p.Ser710Arg (NM_001281492.2); short protein forms S840R, S538R, S710R.
Identifiers: ClinVar variation 1428608 (VCV001428608.6), dbSNP rs781241667, ClinGen allele CA346754372.

ClinVar aggregate classification (germline): Uncertain significance (1 of 4 stars; one submission).

Conditions:
Hereditary nonpolyposis colorectal neoplasms. Identifiers: MedGen C0009405, MeSH D003123.

Submission:

Labcorp Genetics (formerly Invitae), Labcorp
Classification: Uncertain significance for Hereditary nonpolyposis colorectal neoplasms. Last evaluated: 2021-12-04. Review status: criteria provided, single submitter. Criteria: Invitae Variant Classification Sherloc (09022015). Collection method: clinical testing. Allele origin: germline.
Comment: This sequence change replaces serine, which is neutral and polar, with arginine, which is basic and polar, at codon 840 of the MSH6 protein (p.Ser840Arg). This variant is not present in population databases (gnomAD no frequency). This variant has not been reported in the literature in individuals affected with MSH6-related conditions. Advanced modeling of protein sequence and biophysical properties (such as structural, functional, and spatial information, amino acid conservation, physicochemical variation, residue mobility, and thermodynamic stability) performed at Invitae indicates that this missense variant is not expected to disrupt MSH6 protein function. In summary, the available evidence is currently insufficient to determine the role of this variant in disease. Therefore, it has been classified as a Variant of Uncertain Significance.